The following is an entry in ClinVar:

NM_152564.5(VPS13B):c.763-5T>C

Gene: VPS13B (vacuolar protein sorting 13 homolog B; plus strand). Cytogenetic location: 8q22.2.
Variant type: single nucleotide variant.
Coding change: c.763-5T>C on transcript NM_152564.5 (MANE Select); 5 bases into the intron before coding-DNA position 763, T replaced by C.
Molecular consequence: intron variant.
Genome position (GRCh38, 1-based): chr8:99,115,695, T>C. VCF-style: chr8-99115695-T-C. GRCh37 (hg19) VCF-style: chr8-100127923-T-C.
Other names: c.763-5T>C (NM_017890.5, NM_015243.3, NM_181661.3 and 1 more transcripts).
Identifiers: ClinVar variation 1625006 (VCV001625006.9), dbSNP rs1847622951, ClinGen allele CA1805583513.

ClinVar aggregate classification (germline): Likely benign. Review status: criteria provided, single submitter (1 of 4 stars). 2 submissions from 2 submitters: Likely benign (1). 1 of the submissions does not count toward it. Last evaluated 2023-12-02.

Conditions:
Cohen syndrome (COH1). Also called: Cutis verticis gyrata, retinitis pigmentosa, and sensorineural deafness; PEPPER SYNDROME. Identifiers: Orphanet 193, MedGen C0265223, MONDO:0008999, OMIM 216550.
VPS13B-related disorder. Also called: VPS13B-related condition.

Allele frequency attached by ClinVar (database versions not stated): gnomAD exomes below 0.00001.
gnomAD v4.1: 4 of 1,612,422 alleles (0.00025%); highest among the groups gnomAD compares: African/African-American, 0.0013%; no homozygotes.

Submissions (2):

Labcorp Genetics (formerly Invitae), Labcorp
Classification: Likely benign for Cohen syndrome. Last evaluated: 2023-12-02. Review status: criteria provided, single submitter. Criteria: Invitae Variant Classification Sherloc (09022015). Collection method: clinical testing. Allele origin: germline.

PreventionGenetics, part of Exact Sciences
Classification: Likely benign for VPS13B-related condition. Last evaluated: 2024-01-05. Review status: no assertion criteria provided. Collection method: clinical testing. Allele origin: germline. Not counted in ClinVar's aggregate classification.
Comment: This variant is classified as likely benign based on ACMG/AMP sequence variant interpretation guidelines (Richards et al. 2015 PMID: 25741868, with internal and published modifications).